The following is an entry in ClinVar:

ClinVar aggregate classification (germline): Likely pathogenic (0 of 4 stars; one submission).

Conditions:
Dilated cardiomyopathy 1HH (CMD1HH). Identifiers: Orphanet 154, MedGen C3151293, MONDO:0013479, OMIM 613881.

Submission:

Institute of Human Genetics, University of Goettingen
Classification: Likely pathogenic for Dilated cardiomyopathy 1HH. Last evaluated: 2017-05-23. Review status: no assertion criteria provided. Collection method: clinical testing. Allele origin: germline. Affected: yes. Observed: 1 variant allele, 1 heterozygote.
Comment: Dilated Cardiomyopathy

NM_004281.4(BAG3):c.670dup (p.Ser224fs)

Gene: BAG3 (BAG cochaperone 3; plus strand). Cytogenetic location: 10q26.11.
Variant type: Duplication.
Coding change: c.670dup on transcript NM_004281.4 (MANE Select); coding-DNA position 670, one base duplicated (T; older notation c.670dupT).
Protein change: p.Ser224fs; shifts the reading frame from serine 224.
Molecular consequence: frameshift variant.
Genome position (GRCh38, 1-based): chr10:119,672,417, T duplicated. VCF-style (leftmost placement, unchanged base first): chr10-119672416-C-CT. GRCh37 (hg19) VCF-style: chr10-121431928-C-CT.
Other names: c.670dupT (NM_004281.3); short protein forms S224fs.
Identifiers: ClinVar variation 431449 (VCV000431449.4), dbSNP rs1135402750, ClinGen allele CA645372886.
Genomic context (GRCh38, chr10:119,672,416, plus strand): 5'-GGGGTACATCTCCATTCCGGTGATACACGAGCAGAACGTTACCCGGCCAGCAGCCCAGCC[C>CT]TCCTTCCACCAAGCCCAGAAGACGCACTACCCAGCGCAGCAGGGGGAGTACCAGACCCAC-3'